The following is an entry in ClinVar:

NM_000294.3(PHKG2):c.256G>A (p.Gly86Ser)

Gene: PHKG2 (phosphorylase kinase catalytic subunit gamma 2; plus strand). Cytogenetic location: 16p11.2.
Variant type: single nucleotide variant.
Coding change: c.256G>A on transcript NM_000294.3 (MANE Select); coding-DNA position 256, G replaced by A.
Protein change: p.Gly86Ser; replaces glycine 86 with serine.
Molecular consequence: missense variant.
Genome position (GRCh38, 1-based): chr16:30,751,266, G>A. VCF-style: chr16-30751266-G-A. GRCh37 (hg19) VCF-style: chr16-30762587-G-A.
Other names: c.256G>A, p.Gly86Ser (NM_001172432.2); short protein forms G86S.
Identifiers: ClinVar variation 781205 (VCV000781205.42), dbSNP rs143983247, ClinGen allele CA8013066.

ClinVar aggregate classification (germline): Conflicting classifications of pathogenicity. Review status: criteria provided, conflicting classifications (1 of 4 stars). 4 submissions from 4 submitters: Uncertain significance (2); Benign (2). Last evaluated 2026-05-01.

Conditions:
Glycogen storage disease IXc (GSD9C). Also called: GSD IXc. Identifiers: Orphanet 264580, MedGen C2751643, MONDO:0013091, OMIM 613027.

Allele frequency attached by ClinVar (database versions not stated): gnomAD exomes 0.00089; ExAC 0.00103; 1000 Genomes Project 30x 0.00187; 1000 Genomes Project 0.00200; gnomAD 0.00304 and 0.00332; TOPMed 0.00353; ESP Exome Variant Server 0.00392.
gnomAD v4.1: 1,109 of 1,610,096 alleles (0.069%); highest among the groups gnomAD compares: African/African-American, 1.2%; 8 homozygotes.

Submissions (4):

CeGaT Center for Human Genetics Tuebingen
Classification: Benign. Last evaluated: 2026-05-01. Review status: criteria provided, single submitter. Criteria: CeGaT Center For Human Genetics Tuebingen Variant Classification Criteria Version 2. Collection method: clinical testing. Allele origin: germline. Affected: yes. Observed: 3 variant alleles.
Comment: PHKG2: BS1, BS2

Labcorp Genetics (formerly Invitae), Labcorp
Classification: Benign for Glycogen storage disease IXc. Last evaluated: 2026-01-31. Review status: criteria provided, single submitter. Criteria: Invitae Variant Classification Sherloc (09022015). Collection method: clinical testing. Allele origin: germline.

Blueprint Genetics
Classification: Uncertain significance. Last evaluated: 2024-11-26. Review status: criteria provided, single submitter. Criteria: ACMG Guidelines, 2015. Collection method: clinical testing. Allele origin: germline.

Revvity Omics, Revvity
Classification: Uncertain significance for Glycogen storage disease IXc. Last evaluated: 2019-06-04. Review status: criteria provided, single submitter. Criteria: ACMG Guidelines, 2015. Collection method: clinical testing. Allele origin: germline.